The following is an entry in ClinVar:

ClinVar aggregate classification (germline): Likely pathogenic (1 of 4 stars; one submission).

Conditions:
Combined oxidative phosphorylation defect type 11. Also called: ENCEPHALONEUROMYOPATHY, INFANTILE, DUE TO MITOCHONDRIAL TRANSLATION DEFECT; Combined oxidative phosphorylation deficiency 11. Identifiers: Orphanet 324535, MedGen C5190991, MONDO:0013969, OMIM 614922.

Submission:

Juno Genomics, Hangzhou Juno Genomics, Inc
Classification: Likely pathogenic for Combined oxidative phosphorylation defect type 11. Review status: criteria provided, single submitter. Criteria: ACMG Guidelines, 2015. Collection method: clinical testing. Allele origin: germline.
Comment: Null variant in a gene where loss of function (LOF) is a known mechanism of disease.;Absent from controls (or at extremely low frequency if recessive) in Genome Aggregation Database.

NM_017909.4(RMND1):c.344_345del (p.Gly115fs)

Gene: RMND1 (required for meiotic nuclear division 1 homolog; minus strand). Cytogenetic location: 6q25.1.
Variant type: Deletion.
Coding change: c.344_345del on transcript NM_017909.4 (MANE Select); coding-DNA positions 344 to 345, 2 bases deleted (GT; older notation c.344_345delGT).
Protein change: p.Gly115fs; shifts the reading frame from glycine 115.
Molecular consequence: frameshift variant. On other transcripts: intron variant (1).
Genome position (GRCh38, 1-based): chr6:151,445,467-151,445,468, AC deleted on the plus strand (GT on the coding strand, the reverse complement: RMND1 is on the minus strand). VCF-style (leftmost placement, unchanged base first): chr6-151445466-AAC-A. GRCh37 (hg19) VCF-style: chr6-151766601-AAC-A.
Other names: c.-7+6548_-7+6549del (NM_001271937.2); short protein forms G115fs.
Identifiers: ClinVar variation 5006979 (VCV005006979.2).